The following is an entry in ClinVar:

ClinVar aggregate classification (germline): Uncertain significance (1 of 4 stars; one submission).

Submission:

Dasa
Classification: Uncertain significance. Last evaluated: 2025-07-29. Review status: criteria provided, single submitter. Criteria: DASA Assertion Criteria. Collection method: clinical testing. Allele origin: germline.
Comment: NM_001004334.4(GPR179):c.6337del (p.Glu2113Lysfs*8) is a frameshift variant in GPR179 predicted to alter the reading frame and introduce a premature termination codon and is predicted to result in an absent or altered protein product. This variant is rare in population databases. The currently available literature and clinical evidence are not sufficient to establish a definitive association between this variant and the reported condition. Therefore, this variant is classified as a variant of uncertain significance.

NM_001004334.4(GPR179):c.6337del (p.Glu2113fs)

Gene: GPR179 (G protein-coupled receptor 179; minus strand). Cytogenetic location: 17q12.
Variant type: Deletion.
Coding change: c.6337del on transcript NM_001004334.4 (MANE Select); coding-DNA position 6337, one base deleted (G; older notation c.6337delG).
Protein change: p.Glu2113fs; shifts the reading frame from glutamic acid 2113.
Molecular consequence: frameshift variant.
Genome position (GRCh38, 1-based): chr17:38,327,232, C deleted on the plus strand (G on the coding strand, the reverse complement: GPR179 is on the minus strand); the first of 2 consecutive C bases (chr17:38,327,232-38,327,233); deleting either gives the same sequence. VCF-style (leftmost placement, unchanged base first): chr17-38327231-TC-T. GRCh37 (hg19) VCF-style: chr17-36483114-TC-T.
Other names: short protein forms E2113fs.
Identifiers: ClinVar variation 4886286 (VCV004886286.2).